The following is an entry in ClinVar:

ClinVar aggregate classification (germline): Pathogenic (1 of 4 stars; one submission).

Conditions:
Polyglandular autoimmune syndrome, type 1 (APS1). Also called: HYPOADRENOCORTICISM WITH HYPOPARATHYROIDISM AND SUPERFICIAL MONILIASIS; PGA I; Whitaker syndrome; AUTOIMMUNE POLYENDOCRINE SYNDROME, TYPE I, WITH OR WITHOUT REVERSIBLE METAPHYSEAL DYSPLASIA; Autoimmune polyendocrine syndrome type 1; APS I. Identifiers: Orphanet 3453, MedGen C0085859, MONDO:0009411, OMIM 240300.

Submission:

Labcorp Genetics (formerly Invitae), Labcorp
Classification: Pathogenic for Polyglandular autoimmune syndrome, type 1. Last evaluated: 2020-09-19. Review status: criteria provided, single submitter. Criteria: Invitae Variant Classification Sherloc (09022015). Collection method: clinical testing. Allele origin: germline.
Comment: This variant is not present in population databases (ExAC no frequency). This sequence change creates a premature translational stop signal (p.Pro116Argfs*31) in the AIRE gene. It is expected to result in an absent or disrupted protein product. This variant has not been reported in the literature in individuals with AIRE-related conditions. Loss-of-function variants in AIRE are known to be pathogenic (PMID: 11524731, 26141571). For these reasons, this variant has been classified as Pathogenic.

Literature cited by the submitters: PubMed 11524731; PubMed 26141571.

NM_000383.4(AIRE):c.347del (p.Pro116fs)

Gene: AIRE (autoimmune regulator; plus strand). Cytogenetic location: 21q22.3.
Variant type: Deletion.
Coding change: c.347del on transcript NM_000383.4 (MANE Select); coding-DNA position 347, one base deleted (C; older notation c.347delC).
Protein change: p.Pro116fs; shifts the reading frame from proline 116.
Molecular consequence: frameshift variant.
Genome position (GRCh38, 1-based): chr21:44,287,017, C deleted; the last of 5 consecutive C bases (chr21:44,287,013-44,287,017); deleting any one gives the same sequence. VCF-style (leftmost placement, unchanged base first): chr21-44287012-GC-G. GRCh37 (hg19) VCF-style: chr21-45706895-GC-G.
Other names: short protein forms P116fs.
Identifiers: ClinVar variation 1069666 (VCV001069666.7), dbSNP rs1568926472, ClinGen allele CA638494063.